The following is an entry in ClinVar:

ClinVar aggregate classification (germline): Uncertain significance (1 of 4 stars; one submission).

Conditions:
Catecholaminergic polymorphic ventricular tachycardia 1. Also called: RYR2-Related Catecholaminergic Polymorphic Ventricular Tachycardia; VENTRICULAR TACHYCARDIA, STRESS-INDUCED POLYMORPHIC 1; VENTRICULAR TACHYCARDIA, CATECHOLAMINERGIC POLYMORPHIC, 1, WITH OR WITHOUT ATRIAL DYSFUNCTION AND/OR DILATED CARDIOMYOPATHY. Identifiers: Orphanet 3286, MedGen C1631597, MONDO:0011484, OMIM 604772.

Allele frequency attached by ClinVar (database versions not stated): gnomAD exomes below 0.00001.
gnomAD v4.1: 1 of 1,613,226 alleles (0.000062%); highest among the groups gnomAD compares: Non-Finnish European, 0.000085%; no homozygotes.

Submission:

Labcorp Genetics (formerly Invitae), Labcorp
Classification: Uncertain significance for Catecholaminergic polymorphic ventricular tachycardia 1. Last evaluated: 2018-11-21. Review status: criteria provided, single submitter. Criteria: Invitae Variant Classification Sherloc (09022015). Collection method: clinical testing. Allele origin: germline.
Comment: In summary, the available evidence is currently insufficient to determine the role of this variant in disease. Therefore, it has been classified as a Variant of Uncertain Significance. Nucleotide substitutions within the consensus splice site are a relatively common cause of aberrant splicing (PMID: 17576681, 9536098). Algorithms developed to predict the effect of sequence changes on RNA splicing suggest that this variant may disrupt the consensus splice site, but this prediction has not been confirmed by published transcriptional studies. This variant has not been reported in the literature in individuals with RYR2-related disease. This variant is not present in population databases (ExAC no frequency). This sequence change falls in intron 14 of the RYR2 gene. It does not directly change the encoded amino acid sequence of the RYR2 protein, but it affects a nucleotide within the consensus splice site of the intron.

Literature cited by the submitters: PubMed 17576681; PubMed 9536098.

NM_001035.3(RYR2):c.1292+3A>G

Gene: RYR2 (ryanodine receptor 2; plus strand). Cytogenetic location: 1q43.
Variant type: single nucleotide variant.
Coding change: c.1292+3A>G on transcript NM_001035.3 (MANE Select); 3 bases into the intron after coding-DNA position 1292, A replaced by G.
Molecular consequence: intron variant.
Genome position (GRCh38, 1-based): chr1:237,445,525, A>G. VCF-style: chr1-237445525-A-G. GRCh37 (hg19) VCF-style: chr1-237608825-A-G.
Other names: c.1292+3A>G (LRG_402t1).
Identifiers: ClinVar variation 644189 (VCV000644189.8), dbSNP rs1572361996, ClinGen allele CA915942088.
Genomic context (GRCh38, chr1:237,445,525, plus strand): 5'-AATCACGCACAGCCCGAGTTATCCGGAGCACAGTCTTCCTTTTCAATAGATTTATAAGGT[A>G]CTTTTTCTTTTGTAGGCGTAGTTGTTTGATACTTCATTTTCATTTCTTTATTGGATATGC-3'